The following is an entry in ClinVar:

NM_000071.3(CBS):c.218_230del (p.Ser73fs)

Gene: CBS (cystathionine beta-synthase; minus strand). Cytogenetic location: 21q22.3.
Variant type: Deletion.
Coding change: c.218_230del on transcript NM_000071.3 (MANE Select); coding-DNA positions 218 to 230, 13 bases deleted (CTCCAAAAATCTT).
Protein change: p.Ser73fs; shifts the reading frame from serine 73.
Molecular consequence: frameshift variant.
Genome position (GRCh38, 1-based): chr21:43,068,595-43,068,607, AAGATTTTTGGAG deleted on the plus strand (CTCCAAAAATCTT on the coding strand, the reverse complement: CBS is on the minus strand); deleting any 13 consecutive bases within chr21:43,068,595-43,068,608 gives the same sequence; the c. name uses the placement nearest the transcript's 3' end. VCF-style (leftmost placement, unchanged base first): chr21-43068594-CAAGATTTTTGGAG-C. GRCh37 (hg19) VCF-style: chr21-44488704-CAAGATTTTTGGAG-C.
Other names: c.218_230del, p.Ser73fs (NM_001178008.3, NM_001178009.3, NM_001320298.2); short protein forms S73fs.
Identifiers: ClinVar variation 1726208 (VCV001726208.2), dbSNP rs2517470142, ClinGen allele CA2580099043.
Genomic context (GRCh38, chr21:43,068,594, plus strand): 5'-CTTCCCAATCTTGTTGATTCTGACCATAGGGGTGTCCCCGATTTTCTTCAGAATATCTGG[CAAGATTTTTGGAG>C]ATTTTGCCCTGAAACAGAGGAGTCCACAATTATTCAGGAAAAAAAAAAAAAATAGTACCA-3'

ClinVar aggregate classification (germline): Likely pathogenic (1 of 4 stars; one submission).

Conditions:
Classic homocystinuria. Also called: Homocystinuria due to CBS deficiency; Cystathionine beta-synthase deficiency; CBS deficiency; Homocystinuria due to Cystathionine Beta-Synthase Deficiency; HOMOCYSTINURIA WITH OR WITHOUT RESPONSE TO PYRIDOXINE. Identifiers: Orphanet 394, MedGen C0751202, MONDO:0009352, OMIM 236200.

Submission:

Myriad Genetics, Inc.
Classification: Likely pathogenic for Classic homocystinuria. Last evaluated: 2022-05-24. Review status: criteria provided, single submitter. Criteria: Myriad Women's Health Autosomal Recessive and X-Linked Classification Criteria (2021). Collection method: clinical testing. Allele origin: unknown.
Comment: NM_000071.2(CBS):c.218_230del13(S73Cfs*5) is expected to be pathogenic in the context of homocystinuria, CBS-related. This variant is predicted to lead to an abnormal or absent protein product due to the creation of a premature termination codon in CBS, a gene where loss-of-function variants are known to be pathogenic. Please note: this variant was assessed in the context of healthy population screening.